The following is an entry in ClinVar:

NM_019109.5(ALG1):c.208+25G>T

Gene: ALG1 (ALG1 chitobiosyldiphosphodolichol beta-mannosyltransferase; plus strand). Cytogenetic location: 16p13.3.
Variant type: single nucleotide variant.
Coding change: c.208+25G>T on transcript NM_019109.5 (MANE Select); 25 bases into the intron after coding-DNA position 208, G replaced by T.
Molecular consequence: intron variant.
Genome position (GRCh38, 1-based): chr16:5,072,082, G>T. VCF-style: chr16-5072082-G-T. GRCh37 (hg19) VCF-style: chr16-5122083-G-T.
Identifiers: ClinVar variation 1298290 (VCV001298290.2), dbSNP rs1281948334.

ClinVar aggregate classification (germline): Likely pathogenic (1 of 4 stars; one submission).

Conditions:
ALG1-congenital disorder of glycosylation. Also called: CONGENITAL DISORDER OF GLYCOSYLATION, TYPE Ik; CDG Ik; ALG1-CDG. Identifiers: Orphanet 79327, MedGen C2931005, MONDO:0012052, OMIM 608540.

Submission:

3billion
Classification: Likely pathogenic for ALG1-congenital disorder of glycosylation. Last evaluated: 2023-07-13. Review status: criteria provided, single submitter. Criteria: ACMG Guidelines, 2015. Collection method: clinical testing. Allele origin: germline. Affected: yes.
Comment: The variant is not observed in the gnomAD v2.1.1 dataset. Predicted Consequence/Location: Intron variant Functional studies provide moderate evidence of the variant having a damaging effect on the gene or gene product (PMID: 34567092). In silico tools predict the variant to alter splicing and produce an abnormal transcript (SpliceAI: 0.96). The variant has been reported to be associated with ALG1 related disorder (PMID: 34567092). Therefore, this variant is classified as Likely pathogenic according to the recommendation of ACMG/AMP guideline.

Literature cited by the submitters: PubMed 34567092.